The following is an entry in ClinVar:

ClinVar aggregate classification (germline): Conflicting classifications of pathogenicity. Review status: criteria provided, conflicting classifications (1 of 4 stars). 7 submissions from 7 submitters: Uncertain significance (3); Likely benign (2). 2 of the submissions do not count toward it. Last evaluated 2024-11-23.

Conditions:
Hereditary pulmonary alveolar proteinosis. Also called: Pulmonary surfactant metabolism dysfunction. Identifiers: Orphanet 264675, MedGen C3711368, MONDO:0012580.
Interstitial lung disease due to ABCA3 deficiency. Also called: PULMONARY ALVEOLAR PROTEINOSIS, CONGENITAL, 3. Identifiers: Orphanet 440402, MedGen C1970456, MONDO:0012582, OMIM 610921.

Allele frequency attached by ClinVar (database versions not stated): ExAC 0.00038; 1000 Genomes Project 0.00040; 1000 Genomes Project 30x 0.00047; gnomAD exomes 0.00054 and 0.00121; gnomAD 0.00070 and 0.00071; ESP Exome Variant Server 0.00072; TOPMed 0.00079.
gnomAD v4.1: 1,802 of 1,551,936 alleles (0.12%); highest among the groups gnomAD compares: Non-Finnish European, 0.15%; 2 homozygotes.

Submissions (7):

Blueprint Genetics
Classification: Likely benign. Last evaluated: 2024-11-23. Review status: criteria provided, single submitter. Criteria: ACMG Guidelines, 2015. Collection method: clinical testing. Allele origin: germline.

Labcorp Genetics (formerly Invitae), Labcorp
Classification: Uncertain significance. Last evaluated: 2024-10-15. Review status: criteria provided, single submitter. Criteria: Invitae Variant Classification Sherloc (09022015). Collection method: clinical testing. Allele origin: germline.
Comment: This sequence change affects codon 1093 of the ABCA3 mRNA. It is a 'silent' change, meaning that it does not change the encoded amino acid sequence of the ABCA3 protein. It affects a nucleotide within the consensus splice site. This variant is present in population databases (rs148535912, gnomAD 0.1%), and has an allele count higher than expected for a pathogenic variant. This variant has not been reported in the literature in individuals affected with ABCA3-related conditions. ClinVar contains an entry for this variant (Variation ID: 318417). Algorithms developed to predict the effect of sequence changes on RNA splicing suggest that this variant is not likely to affect RNA splicing. In summary, the available evidence is currently insufficient to determine the role of this variant in disease. Therefore, it has been classified as a Variant of Uncertain Significance.

Johns Hopkins Genomics, Johns Hopkins University
Classification: Uncertain significance for Interstitial lung disease due to ABCA3 deficiency. Last evaluated: 2020-08-05. Review status: criteria provided, single submitter. Criteria: ACMG Guidelines, 2015. Collection method: clinical testing. Allele origin: germline.

Illumina Laboratory Services, Illumina
Classification: Uncertain significance for Interstitial lung disease due to ABCA3 deficiency. Last evaluated: 2018-01-13. Review status: criteria provided, single submitter. Criteria: ICSL Variant Classification Criteria 13 December 2019. Collection method: clinical testing. Allele origin: germline.

Ambry Genetics
Classification: Likely benign for Hereditary pulmonary alveolar proteinosis. Last evaluated: 2014-12-12. Review status: criteria provided, single submitter. Criteria: Ambry Variant Classification Scheme 2023. Collection method: clinical testing. Allele origin: germline.

Clinical Genetics DNA and cytogenetics Diagnostics Lab, Erasmus MC, Erasmus Medical Center
Classification: Likely benign. Review status: no assertion criteria provided. Collection method: clinical testing. Allele origin: germline. Affected: yes. Study: VKGL Data-share Consensus. Not counted in ClinVar's aggregate classification.

Diagnostic Laboratory, Department of Genetics, University Medical Center Groningen
Classification: Likely benign. Review status: no assertion criteria provided. Collection method: clinical testing. Allele origin: germline. Affected: yes. Study: VKGL Data-share Consensus. Not counted in ClinVar's aggregate classification.

NM_001089.3(ABCA3):c.3279G>A (p.Glu1093=)

Gene: ABCA3 (ATP binding cassette subfamily A member 3; minus strand). Cytogenetic location: 16p13.3.
Variant type: single nucleotide variant.
Coding change: c.3279G>A on transcript NM_001089.3 (MANE Select); coding-DNA position 3279, G replaced by A.
Protein change: p.Glu1093=; no amino-acid change (glutamic acid 1093 retained).
Molecular consequence: synonymous variant.
Genome position (GRCh38, 1-based): chr16:2,285,646, C>T on the plus strand (G>A on the coding strand, the complement: ABCA3 is on the minus strand). VCF-style: chr16-2285646-C-T. GRCh37 (hg19) VCF-style: chr16-2335647-C-T.
Identifiers: ClinVar variation 318417 (VCV000318417.13), dbSNP rs148535912, ClinGen allele CA7840544.